The following is an entry in ClinVar:

NM_001244008.2(KIF1A):c.2011C>G (p.Gln671Glu)

Gene: KIF1A (kinesin family member 1A; minus strand). Cytogenetic location: 2q37.3.
Variant type: single nucleotide variant.
Coding change: c.2011C>G on transcript NM_001244008.2 (MANE Select); coding-DNA position 2011, C replaced by G.
Protein change: p.Gln671Glu; replaces glutamine 671 with glutamic acid.
Molecular consequence: missense variant.
Genome position (GRCh38, 1-based): chr2:240,763,030, G>C on the plus strand (C>G on the coding strand, the complement: KIF1A is on the minus strand). VCF-style: chr2-240763030-G-C. GRCh37 (hg19) VCF-style: chr2-241702447-G-C.
Other names: c.2011C>G, p.Gln671Glu (NM_001320705.2, NM_001330289.2, NM_001379638.1); c.2086C>G, p.Gln696Glu (NM_001330290.2, NM_001379631.1, NM_001379634.1 and 2 more transcripts); c.1984C>G, p.Gln662Glu (NM_001379632.1, NM_001379633.1, NM_001379636.1 and 10 more transcripts); c.2059C>G, p.Gln687Glu (NM_001379637.1, NM_001379648.1); short protein forms Q662E, Q671E, Q687E, Q696E.
Identifiers: ClinVar variation 1485324 (VCV001485324.6), dbSNP rs2125904526, ClinGen allele CA351326551.

ClinVar aggregate classification (germline): Uncertain significance (1 of 4 stars; one submission).

Conditions:
Hereditary spastic paraplegia 30. Identifiers: Orphanet 101010, MedGen C5235139, MONDO:0012476.
Neuropathy, hereditary sensory, type 2C. Also called: KIF1A-Related HSAN2 (HSAN2C); Hereditary sensory and autonomic neuropathy type IIC. Identifiers: Orphanet 970, MedGen C3280168, MONDO:0013634, OMIM 614213.
Intellectual disability, autosomal dominant 9 (NESCAVS). Also called: KIF1A-Related Neurodevelopmental Disorder; NESCAV SYNDROME. Identifiers: Orphanet 662367, MedGen C5393830, MONDO:0013656, OMIM 614255.

Submission:

Labcorp Genetics (formerly Invitae), Labcorp
Classification: Uncertain significance for Hereditary spastic paraplegia 30; Neuropathy, hereditary sensory, type 2C; Intellectual disability, autosomal dominant 9. Last evaluated: 2021-09-15. Review status: criteria provided, single submitter. Criteria: Invitae Variant Classification Sherloc (09022015). Collection method: clinical testing. Allele origin: germline.
Comment: In summary, the available evidence is currently insufficient to determine the role of this variant in disease. Therefore, it has been classified as a Variant of Uncertain Significance. Algorithms developed to predict the effect of missense changes on protein structure and function (SIFT, PolyPhen-2, Align-GVGD) all suggest that this variant is likely to be tolerated. This variant has not been reported in the literature in individuals affected with KIF1A-related conditions. The frequency data for this variant in the population databases is considered unreliable, as metrics indicate insufficient coverage at this position in the ExAC database. This sequence change replaces glutamine with glutamic acid at codon 662 of the KIF1A protein (p.Gln662Glu). The glutamine residue is highly conserved and there is a small physicochemical difference between glutamine and glutamic acid.